The following is an entry in ClinVar:

NM_020937.4(FANCM):c.3595A>G (p.Asn1199Asp)

Gene: FANCM (FA complementation group M; plus strand). Cytogenetic location: 14q21.2.
Variant type: single nucleotide variant.
Coding change: c.3595A>G on transcript NM_020937.4 (MANE Select); coding-DNA position 3595, A replaced by G.
Protein change: p.Asn1199Asp; replaces asparagine 1199 with aspartic acid.
Molecular consequence: missense variant.
Genome position (GRCh38, 1-based): chr14:45,176,349, A>G. VCF-style: chr14-45176349-A-G. GRCh37 (hg19) VCF-style: chr14-45645552-A-G.
Other names: c.3517A>G, p.Asn1173Asp (NM_001308133.2); short protein forms N1173D, N1199D.
Identifiers: ClinVar variation 4871051 (VCV004871051.1).

ClinVar aggregate classification (germline): Uncertain significance (1 of 4 stars; one submission).

Conditions:
Inborn genetic diseases. Identifiers: MedGen C0950123, MeSH D030342.

gnomAD v4.1: 1 of 1,613,604 alleles (0.000062%); highest among the groups gnomAD compares: Non-Finnish European, 0.000085%; no homozygotes.

Submission:

Ambry Genetics
Classification: Uncertain significance for Inborn genetic diseases. Last evaluated: 2026-03-30. Review status: criteria provided, single submitter. Criteria: Ambry Variant Classification Scheme 2023. Collection method: clinical testing. Allele origin: germline.
Comment: The p.N1199D variant (also known as c.3595A>G), located in coding exon 14 of the FANCM gene, results from an A to G substitution at nucleotide position 3595. The asparagine at codon 1199 is replaced by aspartic acid, an amino acid with highly similar properties. This amino acid position is conserved. In addition, this alteration is predicted to be tolerated by in silico analysis. Based on the available evidence, the clinical significance of this variant remains unclear.